The following is an entry in ClinVar:

ClinVar aggregate classification (germline): Conflicting classifications of pathogenicity. Review status: criteria provided, conflicting classifications (1 of 4 stars). 4 submissions from 4 submitters: Uncertain significance (3); Likely benign (1). Last evaluated 2025-11-25.

Conditions:
Hereditary cancer-predisposing syndrome. Also called: Neoplastic Syndromes, Hereditary; Tumor predisposition; Hereditary neoplastic syndrome; Hereditary Cancer Syndrome. Identifiers: Orphanet 140162, MedGen C0027672, MeSH D009386, MONDO:0015356.
Hereditary breast ovarian cancer syndrome. Also called: Hereditary breast and ovarian cancer syndrome; Hereditary breast and ovarian cancer; Hereditary breast and ovarian cancer syndrome (HBOC); Breast and ovarian cancer; Hereditary breast and/or ovarian cancer syndrome; BRCA1- and BRCA2-Associated Hereditary Breast and Ovarian Cancer. Identifiers: Orphanet 145, MedGen C0677776, MeSH D061325, MONDO:0003582. Disease mechanism: loss of function.
Breast-ovarian cancer, familial, susceptibility to, 1 (BROVCA1). Also called: OVARIAN CANCER, SUSCEPTIBILITY TO; BRCA1 Hereditary Breast and Ovarian Cancer. Identifiers: Orphanet 145, MedGen C2676676, MONDO:0011450, OMIM 604370. Disease mechanism: loss of function.

Submissions (4):

Dasa
Classification: Uncertain significance for Breast-ovarian cancer, familial, susceptibility to, 1. Last evaluated: 2025-11-25. Review status: criteria provided, single submitter. Criteria: DASA Assertion Criteria. Collection method: clinical testing. Allele origin: germline.
Comment: NM_007294.4(BRCA1):c.1378A>C (p.Ile460Leu) is a missense variant that results in the substitution of isoleucine with leucine. This variant is absent from population databases. The currently available literature and clinical evidence are not sufficient to establish a definitive association between this variant and the reported condition. Therefore, this variant is classified as a variant of uncertain significance.

University of Washington Department of Laboratory Medicine, University of Washington
Classification: Likely benign for Hereditary cancer-predisposing syndrome. Last evaluated: 2023-03-23. Review status: criteria provided, single submitter. Criteria: Dines et al. (Genet Med. 2020). Collection method: curation. Allele origin: germline.
Comment: Missense variant in a coldspot region where missense variants are very unlikely to be pathogenic (PMID:31911673).

BRCA1 coldspot (exon 11 using historical exon numbering). Reclassification based on statistical prior probability

Labcorp Genetics (formerly Invitae), Labcorp
Classification: Uncertain significance for Hereditary breast ovarian cancer syndrome. Last evaluated: 2022-09-14. Review status: criteria provided, single submitter. Criteria: Invitae Variant Classification Sherloc (09022015). Collection method: clinical testing. Allele origin: germline.
Comment: This sequence change replaces isoleucine, which is neutral and non-polar, with leucine, which is neutral and non-polar, at codon 460 of the BRCA1 protein (p.Ile460Leu). This variant is not present in population databases (gnomAD no frequency). This variant has not been reported in the literature in individuals affected with BRCA1-related conditions. Advanced modeling of protein sequence and biophysical properties (such as structural, functional, and spatial information, amino acid conservation, physicochemical variation, residue mobility, and thermodynamic stability) has been performed at Invitae for this missense variant, however the output from this modeling did not meet the statistical confidence thresholds required to predict the impact of this variant on BRCA1 protein function. In summary, the available evidence is currently insufficient to determine the role of this variant in disease. Therefore, it has been classified as a Variant of Uncertain Significance.

Ambry Genetics
Classification: Uncertain significance for Hereditary cancer-predisposing syndrome. Last evaluated: 2020-06-04. Review status: criteria provided, single submitter. Criteria: Ambry Variant Classification Scheme 2023. Collection method: clinical testing. Allele origin: germline.

NM_007294.4(BRCA1):c.1378A>C (p.Ile460Leu)

Gene: BRCA1 (BRCA1 DNA repair associated; minus strand). Cytogenetic location: 17q21.31.
Variant type: single nucleotide variant.
Coding change: c.1378A>C on transcript NM_007294.4 (MANE Select); coding-DNA position 1378, A replaced by C.
Protein change: p.Ile460Leu; replaces isoleucine 460 with leucine.
Molecular consequence: missense variant. On other transcripts: intron variant (137).
Genome position (GRCh38, 1-based): chr17:43,094,153, T>G on the plus strand (A>C on the coding strand, the complement: BRCA1 is on the minus strand). VCF-style: chr17-43094153-T-G. GRCh37 (hg19) VCF-style: chr17-41246170-T-G.
Other names: c.1165A>C, p.Ile389Leu (NM_001407571.1, NM_001407853.1, NM_001407894.1 and 9 more transcripts); c.1378A>C, p.Ile460Leu (NM_001407581.1, NM_001407582.1, NM_001407583.1 and 30 more transcripts); c.1375A>C, p.Ile459Leu (NM_001407587.1, NM_001407590.1, NM_001407591.1 and 22 more transcripts); c.1300A>C, p.Ile434Leu (NM_001407658.1, NM_001407663.1, NM_001407653.1 and 4 more transcripts); c.1297A>C, p.Ile433Leu (NM_001407659.1, NM_001407660.1, NM_001407661.1 and 1 more transcripts); c.1255A>C, p.Ile419Leu (NM_001407664.1, NM_001407665.1, NM_001407666.1 and 19 more transcripts); c.1252A>C, p.Ile418Leu (NM_001407685.1, NM_001407940.1, NM_001407941.1 and 11 more transcripts); c.1237A>C, p.Ile413Leu (NM_001407697.1, NM_001407698.1, NM_001407724.1 and 29 more transcripts); and 40 more; short protein forms I390L, I434L, I457L, I372L, I389L, I412L, I413L, I419L.
Identifiers: ClinVar variation 1771208 (VCV001771208.8), dbSNP rs2154449907, ClinGen allele CA10599288.